The following is an entry in ClinVar:

ClinVar aggregate classification (germline): Conflicting classifications of pathogenicity. Review status: criteria provided, conflicting classifications (1 of 4 stars). 2 submissions from 2 submitters: Likely pathogenic (1); Uncertain significance (1). Last evaluated 2025-09-28.

Conditions:
Mucopolysaccharidosis, MPS-IV-A (MPS4A). Also called: Morquio syndrome A, mild; MORQUIO SYNDROME A; GALACTOSAMINE-6-SULFATASE DEFICIENCY; GALNS DEFICIENCY; MORQUIO A DISEASE; mucopolysaccharidosis type 4A. Identifiers: Orphanet 309297, Orphanet 582, MedGen C0086651, MONDO:0009659, OMIM 253000.

gnomAD v4.1: 2 of 1,612,948 alleles (0.00012%); highest among the groups gnomAD compares: Non-Finnish European, 0.00017%; no homozygotes.

Submissions (2):

Labcorp Genetics (formerly Invitae), Labcorp
Classification: Likely pathogenic for Mucopolysaccharidosis, MPS-IV-A. Last evaluated: 2025-09-28. Review status: criteria provided, single submitter. Criteria: Invitae Variant Classification Sherloc (09022015). Collection method: clinical testing. Allele origin: germline.
Comment: This sequence change replaces proline, which is neutral and non-polar, with leucine, which is neutral and non-polar, at codon 77 of the GALNS protein (p.Pro77Leu). This variant is present in population databases (no rsID available, gnomAD 0.0009%). This variant has not been reported in the literature in individuals affected with GALNS-related conditions. ClinVar contains an entry for this variant (Variation ID: 2746355). Invitae Evidence Modeling of protein sequence and biophysical properties (such as structural, functional, and spatial information, amino acid conservation, physicochemical variation, residue mobility, and thermodynamic stability) indicates that this missense variant is expected to disrupt GALNS protein function with a positive predictive value of 95%. This variant disrupts the p.Pro77 amino acid residue in GALNS. Other variant(s) that disrupt this residue have been determined to be pathogenic (PMID: 7633425, 15235041, 23876334; internal data). This suggests that this residue is clinically significant, and that variants that disrupt this residue are likely to be disease-causing. In summary, the currently available evidence indicates that the variant is pathogenic, but additional data are needed to prove that conclusively. Therefore, this variant has been classified as Likely Pathogenic.

Women's Health and Genetics/Laboratory Corporation of America, LabCorp
Classification: Uncertain significance. Last evaluated: 2025-05-22. Review status: criteria provided, single submitter. Criteria: LabCorp Variant Classification Summary - May 2015. Collection method: clinical testing. Allele origin: germline.
Comment: Variant summary: GALNS c.230C>T (p.Pro77Leu) results in a non-conservative amino acid change in the encoded protein sequence. Algorithms developed to predict the effect of missense changes on protein structure and function all suggest that this variant is likely to be disruptive. The variant allele was found at a frequency of 4e-06 in 247958 control chromosomes. The available data on variant occurrences in the general population are insufficient to allow any conclusion about variant significance. To our knowledge, no occurrence of c.230C>T in individuals affected with Mucopolysaccharidosis Type IVA (Morquio Syndrome A) and no experimental evidence demonstrating its impact on protein function have been reported. ClinVar contains an entry for this variant (Variation ID: 2746355). Based on the evidence outlined above, the variant was classified as uncertain significance.

Literature cited by the submitters: PubMed 7633425 (cited by Labcorp Genetics (formerly Invitae), Labcorp); PubMed 15235041 (cited by Labcorp Genetics (formerly Invitae), Labcorp); PubMed 23876334 (cited by Labcorp Genetics (formerly Invitae), Labcorp).

NM_000512.5(GALNS):c.230C>T (p.Pro77Leu)

Gene: GALNS (galactosamine (N-acetyl)-6-sulfatase; minus strand). Cytogenetic location: 16q24.3.
Variant type: single nucleotide variant.
Coding change: c.230C>T on transcript NM_000512.5 (MANE Select); coding-DNA position 230, C replaced by T.
Protein change: p.Pro77Leu; replaces proline 77 with leucine.
Molecular consequence: missense variant. On other transcripts: intron variant (1).
Genome position (GRCh38, 1-based): chr16:88,842,720, G>A on the plus strand (C>T on the coding strand, the complement: GALNS is on the minus strand). VCF-style: chr16-88842720-G-A. GRCh37 (hg19) VCF-style: chr16-88909128-G-A.
Other names: c.248C>T, p.Pro83Leu (NM_001323544.2); c.-311-749C>T (NM_001323543.2); short protein forms P77L, P83L.
Identifiers: ClinVar variation 2746355 (VCV002746355.4), dbSNP rs1422505598, ClinGen allele CA397091225.
Genomic context (GRCh38, chr16:88,842,720, plus strand): 5'-CTGTTGGGCTCACCCCTTCCTGGGGGCGAGGGCCCCGCTGACTTACATGGCGAGCACAGA[G>A]GGTTGGCAGAATAGAAGTTTGGGAAAAGCAGCCCTTCTGCAGCCATCCGGTCCAAATTCG-3'
Protein context (NP_000503.1, residues 67-87): LLFPNFYSAN[Pro77Leu]LCSPSRAALL